The following is an entry in ClinVar:

ClinVar aggregate classification (germline): Benign/Likely benign. Review status: criteria provided, multiple submitters, no conflicts (2 of 4 stars). 3 submissions from 3 submitters: Benign (1); Likely benign (2). Last evaluated 2024-12-07.

Conditions:
Fanconi anemia complementation group J. Also called: BRIP1-Related Fanconi Anemia. Identifiers: Orphanet 84, MedGen C1836860, MONDO:0012187, OMIM 609054.
Familial cancer of breast. Also called: Hereditary breast cancer; hereditary breast carcinoma; BREAST CANCER, FAMILIAL. Identifiers: Orphanet 227535, MedGen C0346153, MONDO:0016419, OMIM 114480. Disease mechanism: loss of function.
Hereditary cancer-predisposing syndrome. Also called: Hereditary Cancer Syndrome; Neoplastic Syndromes, Hereditary; Tumor predisposition; Hereditary neoplastic syndrome. Identifiers: Orphanet 140162, MedGen C0027672, MeSH D009386, MONDO:0015356.

Submissions (3):

Labcorp Genetics (formerly Invitae), Labcorp
Classification: Likely benign for Familial cancer of breast; Fanconi anemia complementation group J. Last evaluated: 2024-12-07. Review status: criteria provided, single submitter. Criteria: Invitae Variant Classification Sherloc (09022015). Collection method: clinical testing. Allele origin: germline.

Myriad Genetics, Inc.
Classification: Benign for Familial cancer of breast. Last evaluated: 2024-09-10. Review status: criteria provided, single submitter. Criteria: Myriad Autosomal Dominant, Autosomal Recessive and X-Linked Classification Criteria (2023). Collection method: clinical testing. Allele origin: unknown.
Comment: This variant is considered benign. This variant is a silent/synonymous amino acid change and it is not expected to impact splicing.

Ambry Genetics
Classification: Likely benign for Hereditary cancer-predisposing syndrome. Last evaluated: 2015-04-20. Review status: criteria provided, single submitter. Criteria: Ambry Variant Classification Scheme 2023. Collection method: clinical testing. Allele origin: germline.

NM_032043.3(BRIP1):c.3396T>C (p.Phe1132=)

Gene: BRIP1 (BRCA1 interacting DNA helicase 1; minus strand). Cytogenetic location: 17q23.2.
Variant type: single nucleotide variant.
Coding change: c.3396T>C on transcript NM_032043.3 (MANE Select); coding-DNA position 3396, T replaced by C.
Protein change: p.Phe1132=; no amino-acid change (phenylalanine 1132 retained).
Molecular consequence: synonymous variant.
Genome position (GRCh38, 1-based): chr17:61,683,650, A>G on the plus strand (T>C on the coding strand, the complement: BRIP1 is on the minus strand). VCF-style: chr17-61683650-A-G. GRCh37 (hg19) VCF-style: chr17-59761011-A-G.
Identifiers: ClinVar variation 231403 (VCV000231403.15), dbSNP rs876659137, ClinGen allele CA10580775.